The following is an entry in ClinVar:

NM_001710.6(CFB):c.2008A>G (p.Lys670Glu)

Gene: CFB (complement factor B; plus strand). Cytogenetic location: 6p21.33.
Variant type: single nucleotide variant.
Coding change: c.2008A>G on transcript NM_001710.6 (MANE Select); coding-DNA position 2008, A replaced by G.
Protein change: p.Lys670Glu; replaces lysine 670 with glutamic acid.
Molecular consequence: missense variant.
Genome position (GRCh38, 1-based): chr6:31,951,392, A>G. VCF-style: chr6-31951392-A-G. GRCh37 (hg19) VCF-style: chr6-31919169-A-G.
Other names: short protein forms K670E.
Identifiers: ClinVar variation 4280414 (VCV004280414.1).

ClinVar aggregate classification (germline): Uncertain significance (1 of 4 stars; one submission).

Conditions:
Atypical hemolytic-uremic syndrome. Identifiers: Orphanet 2134, MedGen C2931788, MONDO:0016244.

Submission:

Genomenon, Inc
Classification: Uncertain significance for Atypical hemolytic-uremic syndrome. Last evaluated: 2025-09-26. Review status: criteria provided, single submitter. Criteria: Genomenon Sequence Variant Interpretation Standards - Updated. Collection method: curation. Allele origin: germline. Affected: yes.
Comment: CFB p.Lys670Glu (c.2008A>G) is a missense variant that changes the amino acid at residue 670 from Lysine to Glutamic acid. This variant has been observed in at least one proband affected with atypical hemolytic-uremic syndrome (PMID:27064621). It is absent or not present at a significant frequency in gnomAD. In silico models agree that this variant is not damaging. In conclusion, we classify CFB p.Lys670Glu (c.2008A>G) as a variant of uncertain significance.

Literature cited by the submitters: PubMed 27064621.